The following is an entry in ClinVar:

NM_014915.3(ANKRD26):c.4352A>G (p.Lys1451Arg)

Gene: ANKRD26 (ankyrin repeat domain containing 26; minus strand). Cytogenetic location: 10p12.1.
Variant type: single nucleotide variant.
Coding change: c.4352A>G on transcript NM_014915.3 (MANE Select); coding-DNA position 4352, A replaced by G.
Protein change: p.Lys1451Arg; replaces lysine 1451 with arginine.
Molecular consequence: missense variant.
Genome position (GRCh38, 1-based): chr10:27,017,656, T>C on the plus strand (A>G on the coding strand, the complement: ANKRD26 is on the minus strand). VCF-style: chr10-27017656-T-C. GRCh37 (hg19) VCF-style: chr10-27306585-T-C.
Other names: c.4349A>G, p.Lys1450Arg (NM_001256053.2); short protein forms K1450R, K1451R.
Identifiers: ClinVar variation 4103134 (VCV004103134.1).

ClinVar aggregate classification (germline): Uncertain significance (1 of 4 stars; one submission).

Conditions:
Inborn genetic diseases. Identifiers: MedGen C0950123, MeSH D030342.

gnomAD v4.1: 3 of 1,613,680 alleles (0.00019%); highest among the groups gnomAD compares: South Asian, 0.0033%; no homozygotes.

Submission:

Ambry Genetics
Classification: Uncertain significance for Inborn genetic diseases. Last evaluated: 2025-06-29. Review status: criteria provided, single submitter. Criteria: Ambry Variant Classification Scheme 2023. Collection method: clinical testing. Allele origin: germline.
Comment: The p.K1451R variant (also known as c.4352A>G), located in coding exon 30 of the ANKRD26 gene, results from an A to G substitution at nucleotide position 4352. The lysine at codon 1451 is replaced by arginine, an amino acid with highly similar properties. This amino acid position is conserved. In addition, this alteration is predicted to be tolerated by in silico analysis. Based on the available evidence, the clinical significance of this variant remains unclear.